The following is an entry in ClinVar:

ClinVar aggregate classification (germline): Uncertain significance (1 of 4 stars; one submission).

gnomAD v4.1: 1 of 1,613,224 alleles (0.000062%); highest among the groups gnomAD compares: Non-Finnish European, 0.000085%; no homozygotes.

Submission:

Mayo Clinic Laboratories, Mayo Clinic
Classification: Uncertain significance. Last evaluated: 2025-03-18. Review status: criteria provided, single submitter. Criteria: ACMG Guidelines, 2015. Collection method: clinical testing. Allele origin: germline. Observed: 1 variant allele.
Comment: PP3, PM2_moderate

NM_002693.3(POLG):c.3470A>T (p.Asn1157Ile)

Gene: POLG (DNA polymerase gamma, catalytic subunit; minus strand). Cytogenetic location: 15q26.1.
Variant type: single nucleotide variant.
Coding change: c.3470A>T on transcript NM_002693.3 (MANE Select); coding-DNA position 3470, A replaced by T.
Protein change: p.Asn1157Ile; replaces asparagine 1157 with isoleucine.
Molecular consequence: missense variant.
Genome position (GRCh38, 1-based): chr15:89,318,553, T>A on the plus strand (A>T on the coding strand, the complement: POLG is on the minus strand). VCF-style: chr15-89318553-T-A. GRCh37 (hg19) VCF-style: chr15-89861784-T-A.
Other names: p.Asn1157Ile; c.3470A>T, p.Asn1157Ile (NM_001126131.2); short protein forms N1157I.
Identifiers: ClinVar variation 4541975 (VCV004541975.1).
Genomic context (GRCh38, chr15:89,318,553, plus strand): 5'-CCCACATAGGAGCACATGGCCAGGCTAGAGGCCATGGGCCCCGCATACCTGGTCAAGAGG[T>A]TGGTGATCTGCAAGGCCAGGGCAGCGCGGTAGCGGTCCTCCTCCCGCACCAGGTAGCGAA-3'
Protein context (NP_002684.1, residues 1147-1167): YRAALALQIT[Asn1157Ile]LLTRCMFAYK